The following is an entry in ClinVar:

ClinVar aggregate classification (germline): Uncertain significance (1 of 4 stars; one submission).

Conditions:
Encephalopathy, acute, infection-induced (herpes-specific), susceptibility to, 1. Also called: Herpes simplex encephalitis, susceptibility to, 1. Identifiers: Orphanet 1930, MedGen C2750180, MONDO:0024563, OMIM 610551.

Submission:

Labcorp Genetics (formerly Invitae), Labcorp
Classification: Uncertain significance for Encephalopathy, acute, infection-induced (herpes-specific), susceptibility to, 1. Last evaluated: 2023-01-21. Review status: criteria provided, single submitter. Criteria: Invitae Variant Classification Sherloc (09022015). Collection method: clinical testing. Allele origin: germline.
Comment: In summary, the available evidence is currently insufficient to determine the role of this variant in disease. Therefore, it has been classified as a Variant of Uncertain Significance. This variant has not been reported in the literature in individuals affected with UNC93B1-related conditions. This variant results in a copy number gain of the genomic region encompassing exon(s) 10-11 of the UNC93B1 gene. This region includes the termination codon of the gene. This copy number gain extends beyond the assayed region for this gene and therefore may encompass additional genes. As the precise location of this event is unknown, it may be in tandem or it may be located elsewhere in the genome.

NC_000011.9:g.(?_67759017)_(67761285_?)dup

Gene: UNC93B1 (unc-93B1 regulator of TLR signaling; minus strand). Cytogenetic location: 11q13.2.
Variant type: Duplication.
Identifiers: ClinVar variation 1445887 (VCV001445887.6).